The following is an entry in ClinVar:

ClinVar aggregate classification (germline): Uncertain significance (1 of 4 stars; one submission).

Allele frequency attached by ClinVar (database versions not stated): TOPMed below 0.00001; gnomAD 0.00001.
gnomAD v4.1: 17 of 1,603,744 alleles (0.0011%); highest among the groups gnomAD compares: Non-Finnish European, 0.0014%; no homozygotes.

Submission:

Labcorp Genetics (formerly Invitae), Labcorp
Classification: Uncertain significance. Last evaluated: 2022-07-24. Review status: criteria provided, single submitter. Criteria: Invitae Variant Classification Sherloc (09022015). Collection method: clinical testing. Allele origin: germline.
Comment: This variant has not been reported in the literature in individuals affected with IARS2-related conditions. In summary, the available evidence is currently insufficient to determine the role of this variant in disease. Therefore, it has been classified as a Variant of Uncertain Significance. Algorithms developed to predict the effect of sequence changes on RNA splicing suggest that this variant is not likely to affect RNA splicing. This variant is not present in population databases (gnomAD no frequency). This sequence change affects codon 286 of the IARS2 mRNA. It is a 'silent' change, meaning that it does not change the encoded amino acid sequence of the IARS2 protein. It affects a nucleotide within the consensus splice site.

NM_018060.4(IARS2):c.858A>T (p.Ile286=)

Gene: IARS2 (isoleucyl-tRNA synthetase 2, mitochondrial; plus strand). Cytogenetic location: 1q41.
Variant type: single nucleotide variant.
Coding change: c.858A>T on transcript NM_018060.4 (MANE Select); coding-DNA position 858, A replaced by T.
Protein change: p.Ile286=; no amino-acid change (isoleucine 286 retained).
Molecular consequence: synonymous variant.
Genome position (GRCh38, 1-based): chr1:220,102,603, A>T. VCF-style: chr1-220102603-A-T. GRCh37 (hg19) VCF-style: chr1-220275945-A-T.
Identifiers: ClinVar variation 2092931 (VCV002092931.4), dbSNP rs1656600627, ClinGen allele CA423261140.